The following is an entry in ClinVar:

ClinVar aggregate classification (germline): Uncertain significance. Review status: criteria provided, multiple submitters, no conflicts (2 of 4 stars). 2 submissions from 2 submitters: Uncertain significance (2). Last evaluated 2025-12-24.

Conditions:
Wilson disease (WND). Also called: Wilson's disease. Identifiers: Orphanet 905, MedGen C0019202, MONDO:0010200, OMIM 277900. Disease mechanism: loss of function.

gnomAD v4.1: 2 of 1,613,808 alleles (0.00012%); highest among the groups gnomAD compares: Non-Finnish European, 0.00017%; no homozygotes.

Submissions (2):

Labcorp Genetics (formerly Invitae), Labcorp
Classification: Uncertain significance for Wilson disease. Last evaluated: 2025-12-24. Review status: criteria provided, single submitter. Criteria: Invitae Variant Classification Sherloc (09022015). Collection method: clinical testing. Allele origin: germline.
Comment: This sequence change replaces tyrosine, which is neutral and polar, with serine, which is neutral and polar, at codon 1376 of the ATP7B protein (p.Tyr1376Ser). This variant is not present in population databases (gnomAD no frequency). This variant has not been reported in the literature in individuals affected with ATP7B-related conditions. ClinVar contains an entry for this variant (Variation ID: 495421). An algorithm developed to predict the effect of missense changes on protein structure and function (PolyPhen-2) suggests that this variant is likely to be disruptive. In summary, the available evidence is currently insufficient to determine the role of this variant in disease. Therefore, it has been classified as a Variant of Uncertain Significance.

Women's Health and Genetics/Laboratory Corporation of America, LabCorp
Classification: Uncertain significance. Last evaluated: 2016-04-08. Review status: criteria provided, single submitter. Criteria: LabCorp Variant Classification Summary - May 2015. Collection method: clinical testing. Allele origin: germline.
Comment: Variant summary: The ATP7B c.4127A>C variant involves the alteration of a conserved nucleotide and 5/5 in silico tools predict a pathogenic outcome. The variant is absent from the large, broad ExAC control population. The variant of interest has not, to our knowledge, been reported in affected individuals via publications and/or reputable databases/clinical laboratories; nor evaluated for functional impact by in vivo/vitro studies. Taken together, the variant was classified as a variant of uncertain significance (VUS)-possibly benign until additional information becomes available.

NM_000053.4(ATP7B):c.4127A>C (p.Tyr1376Ser)

Gene: ATP7B (ATPase copper transporting beta; minus strand). Cytogenetic location: 13q14.3.
Variant type: single nucleotide variant.
Coding change: c.4127A>C on transcript NM_000053.4 (MANE Select); coding-DNA position 4127, A replaced by C.
Protein change: p.Tyr1376Ser; replaces tyrosine 1376 with serine.
Molecular consequence: missense variant.
Genome position (GRCh38, 1-based): chr13:51,935,027, T>G on the plus strand (A>C on the coding strand, the complement: ATP7B is on the minus strand). VCF-style: chr13-51935027-T-G. GRCh37 (hg19) VCF-style: chr13-52509163-T-G.
Other names: c.3506A>C, p.Tyr1169Ser (NM_001005918.3); c.3794A>C, p.Tyr1265Ser (NM_001243182.2); c.3893A>C, p.Tyr1298Ser (NM_001330578.2); c.3875A>C, p.Tyr1292Ser (NM_001330579.2); short protein forms Y1376S, Y1169S, Y1298S, Y1265S, Y1292S.
Identifiers: ClinVar variation 495421 (VCV000495421.2), dbSNP rs1555282338, ClinGen allele CA388019862.
Genomic context (GRCh38, chr13:51,935,027, plus strand): 5'-GTCAGGGGCTTCATGTGGCCATGCGCCTGTGCCTCATACCTCTCCAGGTCAGGCTTCTTA[T>G]AGCTGGAAAGCAGGAACGCAACAGCATCTGAGCCATTCTAGAAACAAGGCTTTTTTTTTT-3'
Protein context (NP_000044.2, residues 1366-1386): VVLSSLQLKC[Tyr1376Ser]KKPDLERYEA